The following is an entry in ClinVar:

ClinVar aggregate classification (germline): Uncertain significance (1 of 4 stars; one submission).

Submission:

GeneDx
Classification: Uncertain significance. Last evaluated: 2024-10-02. Review status: criteria provided, single submitter. Criteria: GeneDx Variant Classification Process June 2021. Collection method: clinical testing. Allele origin: germline. Affected: yes.
Comment: Not observed at significant frequency in large population cohorts (gnomAD); In silico analysis indicates that this missense variant does not alter protein structure/function; Has not been previously published as pathogenic or benign to our knowledge

NM_016333.4(SRRM2):c.7016T>C (p.Val2339Ala)

Gene: SRRM2 (serine/arginine repetitive matrix 2; plus strand). Cytogenetic location: 16p13.3.
Variant type: single nucleotide variant.
Coding change: c.7016T>C on transcript NM_016333.4 (MANE Select); coding-DNA position 7016, T replaced by C.
Protein change: p.Val2339Ala; replaces valine 2339 with alanine.
Molecular consequence: missense variant.
Genome position (GRCh38, 1-based): chr16:2,767,544, T>C. VCF-style: chr16-2767544-T-C. GRCh37 (hg19) VCF-style: chr16-2817545-T-C.
Other names: short protein forms V2339A.
Identifiers: ClinVar variation 3776679 (VCV003776679.1).